The following is an entry in ClinVar:

ClinVar aggregate classification (germline): Uncertain significance. Review status: criteria provided, multiple submitters, no conflicts (2 of 4 stars). 2 submissions from 2 submitters: Uncertain significance (2). Last evaluated 2025-01-23.

Conditions:
Hereditary cancer-predisposing syndrome. Also called: Hereditary Cancer Syndrome; Hereditary neoplastic syndrome; Neoplastic Syndromes, Hereditary; Tumor predisposition. Identifiers: Orphanet 140162, MedGen C0027672, MeSH D009386, MONDO:0015356.
Parathyroid carcinoma (PRTC). Also called: Parathyroid gland carcinoma; CDC73-Related Parathyroid Carcinoma. Identifiers: Orphanet 143, MedGen C0687150, MONDO:0012004, OMIM 608266, HP:0006780.

Submissions (2):

Ambry Genetics
Classification: Uncertain significance for Hereditary cancer-predisposing syndrome. Last evaluated: 2025-01-23. Review status: criteria provided, single submitter. Criteria: Ambry Variant Classification Scheme 2023. Collection method: clinical testing. Allele origin: germline.
Comment: The p.A270D variant (also known as c.809C>A), located in coding exon 8 of the CDC73 gene, results from a C to A substitution at nucleotide position 809. The alanine at codon 270 is replaced by aspartic acid, an amino acid with dissimilar properties. This amino acid position is conserved. In addition, this alteration is predicted to be tolerated by in silico analysis. Based on the available evidence, the clinical significance of this variant remains unclear.

Labcorp Genetics (formerly Invitae), Labcorp
Classification: Uncertain significance for Parathyroid carcinoma. Last evaluated: 2022-03-07. Review status: criteria provided, single submitter. Criteria: Invitae Variant Classification Sherloc (09022015). Collection method: clinical testing. Allele origin: germline.
Comment: In summary, the available evidence is currently insufficient to determine the role of this variant in disease. Therefore, it has been classified as a Variant of Uncertain Significance. Algorithms developed to predict the effect of missense changes on protein structure and function (SIFT, PolyPhen-2, Align-GVGD) all suggest that this variant is likely to be tolerated. ClinVar contains an entry for this variant (Variation ID: 1062506). This variant has not been reported in the literature in individuals affected with CDC73-related conditions. This variant is not present in population databases (gnomAD no frequency). This sequence change replaces alanine, which is neutral and non-polar, with aspartic acid, which is acidic and polar, at codon 270 of the CDC73 protein (p.Ala270Asp).

NM_024529.5(CDC73):c.809C>A (p.Ala270Asp)

Gene: CDC73 (cell division cycle 73; plus strand). Cytogenetic location: 1q31.2.
Variant type: single nucleotide variant.
Coding change: c.809C>A on transcript NM_024529.5 (MANE Select); coding-DNA position 809, C replaced by A.
Protein change: p.Ala270Asp; replaces alanine 270 with aspartic acid.
Molecular consequence: missense variant.
Genome position (GRCh38, 1-based): chr1:193,147,946, C>A. VCF-style: chr1-193147946-C-A. GRCh37 (hg19) VCF-style: chr1-193117076-C-A.
Other names: c.809C>A (NM_024529.4); short protein forms A270D.
Identifiers: ClinVar variation 1062506 (VCV001062506.11), dbSNP rs981067363, ClinGen allele CA34377831.